The following is an entry in ClinVar:

NM_000486.6(AQP2):c.299G>T (p.Gly100Val)

Gene: AQP2 (aquaporin 2; plus strand). Cytogenetic location: 12q13.12.
Variant type: single nucleotide variant.
Coding change: c.299G>T on transcript NM_000486.6 (MANE Select); coding-DNA position 299, G replaced by T.
Protein change: p.Gly100Val; replaces glycine 100 with valine.
Molecular consequence: missense variant.
Genome position (GRCh38, 1-based): chr12:49,951,129, G>T. VCF-style: chr12-49951129-G-T. GRCh37 (hg19) VCF-style: chr12-50344912-G-T.
Other names: c.299G>T (NM_000486.5); short protein forms G100V.
Identifiers: ClinVar variation 17843 (VCV000017843.14), dbSNP rs104894338, ClinGen allele CA127488.
Genomic context (GRCh38, chr12:49,951,129, plus strand): 5'-ACGTCTCCGTTCTCCGAGCCGCCTTCTACGTGGCTGCCCAGCTGCTGGGGGCTGTGGCCG[G>T]AGCCGCTCTGCTCCATGAGATCACGCCAGCAGACATCCGCGGGGACCTGGCTGTCAATGC-3'
Protein context (NP_000477.1, residues 90-110): VAAQLLGAVA[Gly100Val]AALLHEITPA

ClinVar aggregate classification (germline): Pathogenic. Review status: criteria provided, multiple submitters, no conflicts (2 of 4 stars). 4 submissions from 4 submitters: Pathogenic (3). 1 of the submissions does not count toward it. Last evaluated 2025-12-23.

Conditions:
Nephrogenic diabetes insipidus. Identifiers: Orphanet 223, MedGen C0162283, MONDO:0016383, HP:0009806.
Diabetes insipidus, nephrogenic, autosomal (NDI2). Also called: Diabetes insipidus, nephrogenic, 2, autosomal; Nephrogenic Diabetes Insipidus, Type II. Identifiers: Orphanet 223, MedGen C1563706, MONDO:0007451, OMIM 125800.

Allele frequency attached by ClinVar (database versions not stated): gnomAD exomes below 0.00001; TOPMed 0.00001; ExAC 0.00001; gnomAD 0.00001.
gnomAD v4.1: 4 of 1,606,618 alleles (0.00025%); highest among the groups gnomAD compares: East Asian, 0.0022%; no homozygotes.

Submissions (4):

Labcorp Genetics (formerly Invitae), Labcorp
Classification: Pathogenic. Last evaluated: 2025-12-23. Review status: criteria provided, single submitter. Criteria: Invitae Variant Classification Sherloc (09022015). Collection method: clinical testing. Allele origin: germline.
Comment: This sequence change replaces glycine, which is neutral and non-polar, with valine, which is neutral and non-polar, at codon 100 of the AQP2 protein (p.Gly100Val). This variant is present in population databases (rs104894338, gnomAD 0.01%). This missense change has been observed in individuals with autosomal recessive nephrogenic diabetes insipidus (PMID: 12050236). It has also been observed to segregate with disease in related individuals. ClinVar contains an entry for this variant (Variation ID: 17843). Invitae Evidence Modeling of protein sequence and biophysical properties (such as structural, functional, and spatial information, amino acid conservation, physicochemical variation, residue mobility, and thermodynamic stability) indicates that this missense variant is expected to disrupt AQP2 protein function with a positive predictive value of 80%. Experimental studies have shown that this missense change affects AQP2 function (PMID: 12050236). For these reasons, this variant has been classified as Pathogenic.

Natera, Inc.
Classification: Pathogenic for Nephrogenic diabetes insipidus. Last evaluated: 2025-11-30. Review status: criteria provided, single submitter. Criteria: Natera Variant Classification Schema (03/2026). Collection method: clinical testing. Allele origin: germline.
Comment: The c.299G>T variant in AQP2 is a missense variant predicted to cause substitution of glycine to valine at amino acid 100. This variant is rare in the general population with a frequency below the threshold expected for the associated phenotype(s). This variant has been observed in one or more individuals affected with the associated recessive disease, as either homozygous or compound heterozygous with a second variant (PMID: 12050236). Additionally, this variant has been observed to segregate in affected family members (PMID: 12050236). A different variant at the same position has been determined to be Pathogenic or Likely Pathogenic. Computational prediction algorithms indicate this variant is likely to affect gene or protein function. Given the available evidence, this variant is classified as Pathogenic.

Fulgent Genetics
Classification: Pathogenic for Diabetes insipidus, nephrogenic, autosomal. Last evaluated: 2024-03-16. Review status: criteria provided, single submitter. Criteria: ACMG Guidelines, 2015. Collection method: clinical testing. Allele origin: germline.

OMIM
Classification: Pathogenic for DIABETES INSIPIDUS, NEPHROGENIC, 2, AUTOSOMAL RECESSIVE. Last evaluated: 2002-06-01. Review status: no assertion criteria provided. Collection method: literature only. Allele origin: germline. Not counted in ClinVar's aggregate classification.

Literature cited by the submitters: PubMed 12050236 (cited by 3 submitters).